The following is an entry in ClinVar:

NM_000553.6(WRN):c.1984A>G (p.Ile662Val)

Gene: WRN (WRN RecQ like helicase; plus strand). Cytogenetic location: 8p12.
Variant type: single nucleotide variant.
Coding change: c.1984A>G on transcript NM_000553.6 (MANE Select); coding-DNA position 1984, A replaced by G.
Protein change: p.Ile662Val; replaces isoleucine 662 with valine.
Molecular consequence: missense variant.
Genome position (GRCh38, 1-based): chr8:31,100,851, A>G. VCF-style: chr8-31100851-A-G. GRCh37 (hg19) VCF-style: chr8-30958367-A-G.
Other names: short protein forms I662V.
Identifiers: ClinVar variation 966045 (VCV000966045.4), dbSNP rs781397548, ClinGen allele CA4704594.
Genomic context (GRCh38, chr8:31,100,851, plus strand): 5'-GTTTATTTTTTCCTTTCGAGCTTTATCTTTTCCTTTATGTGTTTTTCTTTTTTTACAGGT[A>G]TCACGCTCATTGCTGTGGATGAGGCTCACTGTATTTCTGAGTGGGGGCATGATTTTAGGG-3'
Protein context (NP_000544.2, residues 652-672): LLQQLEADIG[Ile662Val]TLIAVDEAHC

ClinVar aggregate classification (germline): Uncertain significance (1 of 4 stars; one submission).

Conditions:
Werner syndrome (WRN). Identifiers: Orphanet 902, MedGen C0043119, MONDO:0010196, OMIM 277700.

Allele frequency attached by ClinVar (database versions not stated): gnomAD below 0.00001 and 0.00001; ExAC 0.00002; TOPMed 0.00002; gnomAD exomes 0.00004 and 0.00006.
gnomAD v4.1: 53 of 1,612,942 alleles (0.0033%); highest among the groups gnomAD compares: South Asian, 0.053%; no homozygotes.

Submission:

Labcorp Genetics (formerly Invitae), Labcorp
Classification: Uncertain significance for Werner syndrome. Last evaluated: 2023-12-11. Review status: criteria provided, single submitter. Criteria: Invitae Variant Classification Sherloc (09022015). Collection method: clinical testing. Allele origin: germline.
Comment: This sequence change replaces isoleucine, which is neutral and non-polar, with valine, which is neutral and non-polar, at codon 662 of the WRN protein (p.Ile662Val). This variant is present in population databases (rs781397548, gnomAD 0.05%). This variant has not been reported in the literature in individuals affected with WRN-related conditions. ClinVar contains an entry for this variant (Variation ID: 966045). An algorithm developed to predict the effect of missense changes on protein structure and function (PolyPhen-2) suggests that this variant is likely to be disruptive. In summary, the available evidence is currently insufficient to determine the role of this variant in disease. Therefore, it has been classified as a Variant of Uncertain Significance.